The following is an entry in ClinVar:

ClinVar aggregate classification (germline): Uncertain significance. Review status: criteria provided, multiple submitters, no conflicts (2 of 4 stars). 4 submissions from 4 submitters: Uncertain significance (4). Last evaluated 2025-10-07.

Conditions:
Familial thoracic aortic aneurysm and aortic dissection (TAAD). Also called: Thoracic aortic aneurysms and dissections. Identifiers: Orphanet 91387, MedGen C4707243, MONDO:0019625.
Aortic aneurysm, familial thoracic 4 (AAT4). Also called: AORTIC ANEURYSM/AORTIC DISSECTION AND PATENT DUCTUS ARTERIOSUS. Identifiers: MedGen C1851504, MONDO:0007568, OMIM 132900.

Allele frequency attached by ClinVar (database versions not stated): TOPMed 0.00001; ESP Exome Variant Server 0.00008.
gnomAD v4.1: 15 of 1,614,124 alleles (0.00093%); highest among the groups gnomAD compares: African/African-American, 0.0013%; no homozygotes.

Submissions (4):

Ambry Genetics
Classification: Uncertain significance for Familial thoracic aortic aneurysm and aortic dissection. Last evaluated: 2025-10-07. Review status: criteria provided, single submitter. Criteria: Ambry Variant Classification Scheme 2023. Collection method: clinical testing. Allele origin: germline.

Labcorp Genetics (formerly Invitae), Labcorp
Classification: Uncertain significance for Aortic aneurysm, familial thoracic 4. Last evaluated: 2024-10-22. Review status: criteria provided, single submitter. Criteria: Invitae Variant Classification Sherloc (09022015). Collection method: clinical testing. Allele origin: germline.
Comment: This sequence change replaces valine, which is neutral and non-polar, with leucine, which is neutral and non-polar, at codon 1341 of the MYH11 protein (p.Val1341Leu). This variant is present in population databases (rs139377348, gnomAD 0.007%). This variant has not been reported in the literature in individuals affected with MYH11-related conditions. ClinVar contains an entry for this variant (Variation ID: 921049). Invitae Evidence Modeling of protein sequence and biophysical properties (such as structural, functional, and spatial information, amino acid conservation, physicochemical variation, residue mobility, and thermodynamic stability) indicates that this missense variant is not expected to disrupt MYH11 protein function with a negative predictive value of 95%. In summary, the available evidence is currently insufficient to determine the role of this variant in disease. Therefore, it has been classified as a Variant of Uncertain Significance.

Color Diagnostics, LLC DBA Color Health
Classification: Uncertain significance for Familial thoracic aortic aneurysm and aortic dissection. Last evaluated: 2024-03-06. Review status: criteria provided, single submitter. Criteria: ACMG Guidelines, 2015. Collection method: clinical testing. Allele origin: germline.
Comment: This missense variant replaces valine with leucine at codon 1341 of the MYH11 protein. Computational prediction suggests that this variant may not impact protein structure and function (internally defined REVEL score threshold <= 0.5, PMID: 27666373). To our knowledge, functional studies have not been reported for this variant. This variant has not been reported in individuals affected with MYH11-related disorders in the literature. This variant has been identified in 4/251178 chromosomes in the general population by the Genome Aggregation Database (gnomAD). The available evidence is insufficient to determine the role of this variant in disease conclusively. Therefore, this variant is classified as a Variant of Uncertain Significance.

All of Us Research Program, National Institutes of Health
Classification: Uncertain significance for Familial thoracic aortic aneurysm and aortic dissection. Last evaluated: 2023-11-02. Review status: criteria provided, single submitter. Criteria: ACMG Guidelines, 2015. Collection method: clinical testing. Allele origin: germline. Inheritance: Autosomal dominant inheritance. Observed: 1 variant allele, 1 heterozygote.
Comment: This missense variant replaces valine with leucine at codon 1341 of the MYH11 protein. Computational prediction tools and conservation analyses are inconclusive regarding the impact of this variant on the protein function. Computational splicing tools suggest that this variant may not impact RNA splicing. To our knowledge, functional assays have not been performed for this variant nor has this variant been reported in individuals affected with cardiovascular disorders in the literature. This variant has been identified in 4/251178 chromosomes in the general population by the Genome Aggregation Database (gnomAD). Available evidence is insufficient to determine the role of this variant in disease conclusively. Therefore, this variant is classified as a Variant of Uncertain Significance.

This study involves interpretation of variants in research participants for the purpose of population health screening. Participant phenotype was not available at the time of variant classification. Additional details can be found in publication PMID: 35346344, PMCID: PMC8962531

NM_002474.3(MYH11):c.4000G>T (p.Val1334Leu)

Genes: MYH11 (myosin heavy chain 11; minus strand), NDE1 (nudE neurodevelopment protein 1; plus strand). Cytogenetic location: 16p13.11.
Variant type: single nucleotide variant.
Coding change: c.4000G>T on transcript NM_002474.3 (MANE Select); coding-DNA position 4000, G replaced by T.
Protein change: p.Val1334Leu; replaces valine 1334 with leucine.
Molecular consequence: missense variant. On other transcripts: 3 prime UTR variant (2).
Genome position (GRCh38, 1-based): chr16:15,724,763, C>A on the plus strand (G>T on the coding strand, the complement: MYH11 is on the minus strand). VCF-style: chr16-15724763-C-A. GRCh37 (hg19) VCF-style: chr16-15818620-C-A.
Other names: c.4021G>T, p.Val1341Leu (NM_001040113.2, NM_001040114.2); c.4000G>T, p.Val1334Leu (NM_022844.3); c.*512C>A (NM_001143979.2, NM_017668.3); c.4000G>T (NM_002474.2); short protein forms V1334L, V1341L.
Identifiers: ClinVar variation 921049 (VCV000921049.10), dbSNP rs139377348, ClinGen allele CA7921812.
Genomic context (GRCh38, chr16:15,724,763, plus strand): 5'-CGTCCAGCTGGTCTTGCAGGCTGTTCCGCTCCTCCTCCAGCTGGCGCAGCTTCGTAGACA[C>A]GTTGAGCTTCTGCCGGGTTTCTTCTTGAAGCAGCTCCTGCAAAAGGGATGCAAAGAGGTC-3'
Protein context (NP_002465.1, residues 1324-1344): LQEETRQKLN[Val1334Leu]STKLRQLEEE